The following is an entry in ClinVar:

ClinVar aggregate classification (germline): Uncertain significance. Review status: criteria provided, multiple submitters, no conflicts (2 of 4 stars). 2 submissions from 2 submitters: Uncertain significance (2). Last evaluated 2025-08-29.

Conditions:
DHCR7-related disorder. Also called: DHCR7-related condition.
Inborn genetic diseases. Identifiers: MedGen C0950123, MeSH D030342.

Submissions (2):

PreventionGenetics, part of Exact Sciences
Classification: Uncertain significance for DHCR7-related condition. Last evaluated: 2025-08-29. Review status: criteria provided, single submitter. Criteria: ACMG Guidelines, 2015. Collection method: clinical testing. Allele origin: germline.
Comment: The DHCR7 c.1184T>A variant is predicted to result in the amino acid substitution p.Leu395Gln. To our knowledge, this variant has not been reported in the literature or in a large population database (gnomAD), indicating this variant is rare. At this time, the clinical significance of this variant is uncertain due to the absence of conclusive functional and genetic evidence.

Ambry Genetics
Classification: Uncertain significance for Inborn genetic diseases. Last evaluated: 2024-03-26. Review status: criteria provided, single submitter. Criteria: Ambry Variant Classification Scheme 2023. Collection method: clinical testing. Allele origin: germline.
Comment: The c.1184T>A (p.L395Q) alteration is located in exon 9 (coding exon 7) of the DHCR7 gene. This alteration results from a T to A substitution at nucleotide position 1184, causing the leucine (L) at amino acid position 395 to be replaced by a glutamine (Q). This variant was not reported in population-based cohorts in the Genome Aggregation Database (gnomAD). This amino acid position is not well conserved in available vertebrate species. This alteration is predicted to be deleterious by in silico analysis. Based on insufficient or conflicting evidence, the clinical significance of this alteration remains unclear.

NM_001360.3(DHCR7):c.1184T>A (p.Leu395Gln)

Gene: DHCR7 (7-dehydrocholesterol reductase; minus strand). Cytogenetic location: 11q13.4.
Variant type: single nucleotide variant.
Coding change: c.1184T>A on transcript NM_001360.3 (MANE Select); coding-DNA position 1184, T replaced by A.
Protein change: p.Leu395Gln; replaces leucine 395 with glutamine.
Molecular consequence: missense variant.
Genome position (GRCh38, 1-based): chr11:71,435,619, A>T on the plus strand (T>A on the coding strand, the complement: DHCR7 is on the minus strand). VCF-style: chr11-71435619-A-T. GRCh37 (hg19) VCF-style: chr11-71146665-A-T.
Other names: c.1184T>A, p.Leu395Gln (NM_001163817.2); short protein forms L395Q.
Identifiers: ClinVar variation 3271770 (VCV003271770.2).